The following is an entry in ClinVar:

ClinVar aggregate classification (germline): Pathogenic (1 of 4 stars; one submission).

Submission:

GeneDx
Classification: Pathogenic. Last evaluated: 2022-08-03. Review status: criteria provided, single submitter. Criteria: GeneDx Variant Classification Process June 2021. Collection method: clinical testing. Allele origin: germline. Affected: yes.
Comment: Nonsense variant predicted to result in protein truncation or nonsense mediated decay in a gene for which loss-of-function is not a known mechanism of disease; Not observed at significant frequency in large population cohorts (gnomAD); Has not been previously published as pathogenic or benign to our knowledge

NM_000719.7(CACNA1C):c.4873C>T (p.Gln1625Ter)

Genes: CACNA1C (calcium voltage-gated channel subunit alpha1 C; plus strand), CACNA1C-AS1 (CACNA1C antisense RNA 1; minus strand). Cytogenetic location: 12p13.33.
Variant type: single nucleotide variant.
Coding change: c.4873C>T on transcript NM_000719.7 (MANE Select); coding-DNA position 4873, C replaced by T.
Protein change: p.Gln1625Ter; replaces glutamine 1625 with a stop codon.
Molecular consequence: nonsense. On other transcripts: non-coding transcript variant (1).
Genome position (GRCh38, 1-based): chr12:2,677,138, C>T. VCF-style: chr12-2677138-C-T. GRCh37 (hg19) VCF-style: chr12-2786304-C-T.
Other names: c.4930C>T, p.Gln1644Ter (NM_001129834.2, NM_001129835.2, NM_001129833.2); c.4924C>T, p.Gln1642Ter (NM_001129836.2); c.4897C>T, p.Gln1633Ter (NM_001129837.2, NM_001129838.2); c.4891C>T, p.Gln1631Ter (NM_001129839.2); c.4873C>T, p.Gln1625Ter (NM_001129840.2, NM_001129841.2, NM_001129842.2 and 4 more transcripts); c.4864C>T, p.Gln1622Ter (NM_001129844.2); c.4840C>T, p.Gln1614Ter (NM_001129846.2, NM_001167625.2); c.5017C>T, p.Gln1673Ter (NM_199460.4, NM_001129827.2); and 3 more; short protein forms Q1614*, Q1642*, Q1631*, Q1644*, Q1645*, Q1653*, Q1622*, Q1633*.
Identifiers: ClinVar variation 2921274 (VCV002921274.1), dbSNP rs2531952888, ClinGen allele CA383377984.
Genomic context (GRCh38, chr12:2,677,138, plus strand): 5'-TCTCCATACGTCTCAGATGATGAGGTCACCGTTGGCAAGTTCTACGCCACGTTCCTGATC[C>T]AGGAGTACTTCCGGAAGTTCAAGAAGCGCAAAGAGCAGGGCCTTGTGGGCAAGCCCTCCC-3'